The following is an entry in ClinVar:

NM_000021.4(PSEN1):c.356C>T (p.Thr119Ile)

Gene: PSEN1 (presenilin 1; plus strand). Cytogenetic location: 14q24.2.
Variant type: single nucleotide variant.
Coding change: c.356C>T on transcript NM_000021.4 (MANE Select); coding-DNA position 356, C replaced by T.
Protein change: p.Thr119Ile; replaces threonine 119 with isoleucine.
Molecular consequence: missense variant.
Genome position (GRCh38, 1-based): chr14:73,173,583, C>T. VCF-style: chr14-73173583-C-T. GRCh37 (hg19) VCF-style: chr14-73640291-C-T.
Other names: c.344C>T, p.Thr115Ile (NM_007318.3); short protein forms T119I, T115I.
Identifiers: ClinVar variation 625849 (VCV000625849.7), dbSNP rs1566630791, ClinGen allele CA390304710.
Genomic context (GRCh38, chr14:73,173,583, plus strand): 5'-CCATTAACACTGACCTAGGGCTTTTGTGTTTGTTTTATTGTAGAATCTATACCCCATTCA[C>T]AGAAGATACCGAGACTGTGGGCCAGAGAGCCCTGCACTCAATTCTGAATGCTGCCATCAT-3'
Protein context (NP_000012.1, residues 109-129): KDGQLIYTPF[Thr119Ile]EDTETVGQRA

ClinVar aggregate classification (germline): Likely pathogenic. Review status: criteria provided, multiple submitters, no conflicts (2 of 4 stars). 3 submissions from 3 submitters: Likely pathogenic (3). Last evaluated 2022-02-09.

Conditions:
Alzheimer disease 3 (AD3). Also called: ALZHEIMER DISEASE, FAMILIAL, 3. Identifiers: Orphanet 1020, MedGen C1843013, MONDO:0011913, OMIM 607822.
Frontotemporal dementia (FTD1). Also called: FRONTOTEMPORAL DEMENTIA WITH PARKINSONISM; FRONTOTEMPORAL LOBE DEMENTIA; Dementia, frontotemporal, with or without parkinsonism; Frontotemporal Dementia with Parkinsonism-17 (FTDP-17); MULTIPLE SYSTEM TAUOPATHY WITH PRESENILE DEMENTIA; Frontotemporal lobe dementia (FLDEM). Identifiers: Orphanet 282, MedGen C0338451, MONDO:0017276, OMIM 600274, HP:0002145.

Allele frequency attached by ClinVar (database versions not stated): gnomAD exomes below 0.00001.
gnomAD v4.1: 1 of 1,614,092 alleles (0.000062%); highest among the groups gnomAD compares: South Asian, 0.0011%; no homozygotes.

Submissions (3):

Institute of Human Genetics Munich, TUM University Hospital
Classification: Likely pathogenic for Alzheimer disease 3. Last evaluated: 2022-02-09. Review status: criteria provided, single submitter. Criteria: Classification criteria August 2017. Collection method: clinical testing. Allele origin: germline. Inheritance: Autosomal dominant inheritance. Affected: yes. Observed: 1 variant allele.

Centre for Mendelian Genomics, University Medical Centre Ljubljana
Classification: Likely pathogenic for Frontotemporal dementia. Last evaluated: 2019-07-02. Review status: criteria provided, single submitter. Criteria: ACMG Guidelines, 2015. Collection method: clinical testing. Allele origin: unknown. Affected: yes.
Comment: This variant was classified as: Likely pathogenic. The following ACMG criteria were applied in classifying this variant: PM2,PP2,PP3,PP4,PP5.

Laboratorio de Biología Molecular, FLENI
Classification: Likely pathogenic for Alzheimer disease 3. Last evaluated: 2019-04-10. Review status: criteria provided, single submitter. Criteria: ACMG Guidelines, 2015. Collection method: research. Allele origin: germline. Inheritance: Autosomal dominant inheritance. Affected: yes. Observed: 1 heterozygote.
Comment: The c.356C>T variant in PSEN1 (NM_000021.4) predicts a threonine-to-isoleucine substitution at codon 119 (p.T119I). This variant was present in three individuals of an Argentine family with autosomal dominant Alzheimer's disease. Ages of onset for affected individuals were: 49, 54, and 71. Cerebrospinal fluid and imaging biomarkers in two of the variant carriers showed evidence of underlying Alzheimer's pathology. According to ACMG guidelines (Richards, 2015) this variant can be classified as "likely pathogenic" (supporting evidence PM1, PM2, PP2, PP3). Functional studies were not performed yet.

Literature cited by the submitters: PubMed 31153663 (cited by Laboratorio de Biología Molecular, FLENI).